The following is an entry in ClinVar:

NM_000303.3(PMM2):c.178+2T>G

Gene: PMM2 (phosphomannomutase 2; plus strand). Cytogenetic location: 16p13.2.
Variant type: single nucleotide variant.
Coding change: c.178+2T>G on transcript NM_000303.3 (MANE Select); the canonical splice donor site of the intron after coding-DNA position 178, T replaced by G.
Molecular consequence: splice donor variant.
Genome position (GRCh38, 1-based): chr16:8,801,912, T>G. VCF-style: chr16-8801912-T-G. GRCh37 (hg19) VCF-style: chr16-8895769-T-G.
Identifiers: ClinVar variation 553770 (VCV000553770.7), dbSNP rs1555448922, ClinGen allele CA394695361.

ClinVar aggregate classification (germline): Likely pathogenic. Review status: criteria provided, multiple submitters, no conflicts (2 of 4 stars). 4 submissions from 4 submitters: Likely pathogenic (3). 1 of the submissions does not count toward it. Last evaluated 2025-11-12.

Conditions:
PMM2-congenital disorder of glycosylation. Also called: CDG Ia; JAEKEN SYNDROME; PHOSPHOMANNOMUTASE 2 DEFICIENCY; CARBOHYDRATE-DEFICIENT GLYCOPROTEIN SYNDROME, TYPE Ia; PMM2-CDG; Congenital disorder of glycosylation, type Ia. Identifiers: Orphanet 79318, MedGen C0349653, MONDO:0008907, OMIM 212065.

Submissions (4):

Natera, Inc.
Classification: Likely pathogenic for Congenital disorder of glycosylation type 1a. Last evaluated: 2025-11-12. Review status: criteria provided, single submitter. Criteria: Natera Variant Classification Schema (03/2026). Collection method: clinical testing. Allele origin: germline.
Comment: The c.178+2T>G variant in PMM2 is a canonical splice donor site variant predicted to affect pre-mRNA splicing, which may result in an abnormal transcript and altered protein product. This variant is expected to result in nonsense mediated decay, truncation, or a dysfunctional protein product. This variant is rare in the general population with a frequency below the threshold expected for the associated phenotype(s). Given the available evidence, this variant is classified as Likely Pathogenic.

Fulgent Genetics
Classification: Likely pathogenic for PMM2-congenital disorder of glycosylation. Last evaluated: 2024-06-19. Review status: criteria provided, single submitter. Criteria: ACMG Guidelines, 2015. Collection method: clinical testing. Allele origin: germline.

Labcorp Genetics (formerly Invitae), Labcorp
Classification: Likely pathogenic for PMM2-congenital disorder of glycosylation. Last evaluated: 2024-01-29. Review status: criteria provided, single submitter. Criteria: Invitae Variant Classification Sherloc (09022015). Collection method: clinical testing. Allele origin: germline.
Comment: This sequence change affects a donor splice site in intron 2 of the PMM2 gene. It is expected to disrupt RNA splicing. Variants that disrupt the donor or acceptor splice site typically lead to a loss of protein function (PMID: 16199547), and loss-of-function variants in PMM2 are known to be pathogenic (PMID: 19862844). This variant is not present in population databases (gnomAD no frequency). This variant has not been reported in the literature in individuals affected with PMM2-related conditions. ClinVar contains an entry for this variant (Variation ID: 553770). Algorithms developed to predict the effect of sequence changes on RNA splicing suggest that this variant may disrupt the consensus splice site. In summary, the currently available evidence indicates that the variant is pathogenic, but additional data are needed to prove that conclusively. Therefore, this variant has been classified as Likely Pathogenic.

Counsyl
Classification: Likely pathogenic for PMM2-congenital disorder of glycosylation. Last evaluated: 2017-09-06. Review status: no assertion criteria provided. Collection method: clinical testing. Allele origin: unknown. Not counted in ClinVar's aggregate classification.

Literature cited by the submitters: PubMed 16199547 (cited by Labcorp Genetics (formerly Invitae), Labcorp); PubMed 19862844 (cited by Labcorp Genetics (formerly Invitae), Labcorp).